The following is an entry in ClinVar:

NM_005422.4(TECTA):c.4207G>A (p.Val1403Met)

Genes: TBCEL-TECTA (TBCEL-TECTA readthrough; plus strand), TECTA (tectorin alpha; plus strand). Cytogenetic location: 11q23.3.
Variant type: single nucleotide variant.
Coding change: c.4207G>A on transcript NM_005422.4 (MANE Select); coding-DNA position 4207, G replaced by A.
Protein change: p.Val1403Met; replaces valine 1403 with methionine.
Molecular consequence: missense variant.
Genome position (GRCh38, 1-based): chr11:121,152,982, G>A. VCF-style: chr11-121152982-G-A. GRCh37 (hg19) VCF-style: chr11-121023691-G-A.
Other names: c.5164G>A, p.Val1722Met (NM_001378761.1); short protein forms V1403M, V1722M.
Identifiers: ClinVar variation 3903197 (VCV003903197.2).

ClinVar aggregate classification (germline): Uncertain significance. Review status: criteria provided, multiple submitters, no conflicts (2 of 4 stars). 2 submissions from 2 submitters: Uncertain significance (2). Last evaluated 2025-01-03.

Conditions:
TECTA-related disorder. Also called: TECTA-related condition.

gnomAD v4.1: 28 of 1,614,082 alleles (0.0017%); highest among the groups gnomAD compares: Admixed American, 0.005%; no homozygotes.

Submissions (2):

PreventionGenetics, part of Exact Sciences
Classification: Uncertain significance for TECTA-related condition. Last evaluated: 2025-01-03. Review status: criteria provided, single submitter. Criteria: ACMG Guidelines, 2015. Collection method: clinical testing. Allele origin: germline.
Comment: The TECTA c.4207G>A variant is predicted to result in the amino acid substitution p.Val1403Met. To our knowledge, this variant has not been reported in the literature. This variant is reported in 0.0056% of alleles in individuals of Latino descent in gnomAD. At this time, the clinical significance of this variant is uncertain due to the absence of conclusive functional and genetic evidence.

GeneDx
Classification: Uncertain significance. Last evaluated: 2024-12-11. Review status: criteria provided, single submitter. Criteria: GeneDx Variant Classification Process June 2021. Collection method: clinical testing. Allele origin: germline. Affected: yes.
Comment: In silico analysis supports that this missense variant does not alter protein structure/function; Has not been previously published as pathogenic or benign to our knowledge; This variant is associated with the following publications: (PMID: 21520338, 31554319, 9590290)